The following is an entry in ClinVar:

NM_001042492.3(NF1):c.1132del (p.Asp378fs)

Gene: NF1 (neurofibromin 1; plus strand). Cytogenetic location: 17q11.2.
Variant type: Deletion.
Coding change: c.1132del on transcript NM_001042492.3 (MANE Select); coding-DNA position 1132, one base deleted (G; older notation c.1132delG).
Protein change: p.Asp378fs; shifts the reading frame from aspartic acid 378.
Molecular consequence: frameshift variant.
Genome position (GRCh38, 1-based): chr17:31,201,106, G deleted. VCF-style (leftmost placement, unchanged base first): chr17-31201105-TG-T. GRCh37 (hg19) VCF-style: chr17-29528123-TG-T.
Other names: c.1132delG (NM_000267.3); c.1132delG, p.Asp378Thrfs (NM_000267.4); c.1132del, p.Asp378fs (NM_001128147.3); short protein forms D378fs.
Identifiers: ClinVar variation 1420919 (VCV001420919.7), dbSNP rs2143879675, ClinGen allele CA2573153557.

ClinVar aggregate classification (germline): Pathogenic. Review status: criteria provided, multiple submitters, no conflicts (2 of 4 stars). 2 submissions from 2 submitters: Pathogenic (2). Last evaluated 2025-05-12.

Conditions:
Cardiovascular phenotype. Identifiers: MedGen CN230736.
Hereditary cancer-predisposing syndrome. Also called: Hereditary neoplastic syndrome; Tumor predisposition; Hereditary Cancer Syndrome; Neoplastic Syndromes, Hereditary. Identifiers: Orphanet 140162, MedGen C0027672, MeSH D009386, MONDO:0015356.
Neurofibromatosis, type 1 (NF1). Also called: VON RECKLINGHAUSEN DISEASE; NEUROFIBROMATOSIS, TYPE I, SOMATIC; Neurofibromatosis, type I; Peripheral type neurofibromatosis. Identifiers: Orphanet 636, MedGen C0027831, MONDO:0018975, OMIM 162200. Disease mechanism: loss of function.

Submissions (2):

Ambry Genetics
Classification: Pathogenic for Cardiovascular phenotype; Hereditary cancer-predisposing syndrome. Last evaluated: 2025-05-12. Review status: criteria provided, single submitter. Criteria: Ambry Variant Classification Scheme 2023. Collection method: clinical testing. Allele origin: germline.
Comment: The c.1132delG pathogenic mutation, located in coding exon 10 of the NF1 gene, results from a deletion of one nucleotide at nucleotide position 1132, causing a translational frameshift with a predicted alternate stop codon (p.D378Tfs*9). This variant is considered to be rare based on population cohorts in the Genome Aggregation Database (gnomAD). This alteration is expected to result in loss of function by premature protein truncation or nonsense-mediated mRNA decay. As such, this alteration is interpreted as a disease-causing mutation.

Labcorp Genetics (formerly Invitae), Labcorp
Classification: Pathogenic for Neurofibromatosis, type 1. Last evaluated: 2021-07-29. Review status: criteria provided, single submitter. Criteria: Invitae Variant Classification Sherloc (09022015). Collection method: clinical testing. Allele origin: germline.
Comment: For these reasons, this variant has been classified as Pathogenic. This variant has not been reported in the literature in individuals affected with NF1-related conditions. This variant is not present in population databases (ExAC no frequency). This sequence change creates a premature translational stop signal (p.Asp378Thrfs*9) in the NF1 gene. It is expected to result in an absent or disrupted protein product. Loss-of-function variants in NF1 are known to be pathogenic (PMID: 10712197, 23913538).

Literature cited by the submitters: PubMed 10712197 (cited by Labcorp Genetics (formerly Invitae), Labcorp); PubMed 23913538 (cited by Labcorp Genetics (formerly Invitae), Labcorp).